The following is an entry in ClinVar:

NM_003482.4(KMT2D):c.10144A>T (p.Met3382Leu)

Gene: KMT2D (lysine methyltransferase 2D; minus strand). Cytogenetic location: 12q13.12.
Variant type: single nucleotide variant.
Coding change: c.10144A>T on transcript NM_003482.4 (MANE Select); coding-DNA position 10144, A replaced by T.
Protein change: p.Met3382Leu; replaces methionine 3382 with leucine.
Molecular consequence: missense variant.
Genome position (GRCh38, 1-based): chr12:49,037,212, T>A on the plus strand (A>T on the coding strand, the complement: KMT2D is on the minus strand). VCF-style: chr12-49037212-T-A. GRCh37 (hg19) VCF-style: chr12-49430995-T-A.
Other names: short protein forms M3382L.
Identifiers: ClinVar variation 3058084 (VCV003058084.2), dbSNP rs1943263888, ClinGen allele CA384732068.

ClinVar aggregate classification (germline): Uncertain significance (0 of 4 stars; one submission).

Conditions:
KMT2D-related disorder. Also called: KMT2D-Related Disorders.

Submission:

PreventionGenetics, part of Exact Sciences
Classification: Uncertain significance for KMT2D-related condition. Last evaluated: 2023-10-30. Review status: no assertion criteria provided. Collection method: clinical testing. Allele origin: germline.
Comment: The KMT2D c.10144A>T variant is predicted to result in the amino acid substitution p.Met3382Leu. To our knowledge, this variant has not been reported in the literature or in a large population database, indicating this variant is rare. At this time, the clinical significance of this variant is uncertain due to the absence of conclusive functional and genetic evidence.